The following is an entry in ClinVar:

NM_001267550.2(TTN):c.34260A>G (p.Glu11420=)

Gene: TTN (titin; minus strand). Cytogenetic location: 2q31.2.
Variant type: single nucleotide variant.
Coding change: c.34260A>G on transcript NM_001267550.2 (MANE Select); coding-DNA position 34260, A replaced by G.
Protein change: p.Glu11420=; no amino-acid change (glutamic acid 11420 retained).
Molecular consequence: synonymous variant. On other transcripts: intron variant (3).
Genome position (GRCh38, 1-based): chr2:178,677,652, T>C on the plus strand (A>G on the coding strand, the complement: TTN is on the minus strand). VCF-style: chr2-178677652-T-C. GRCh37 (hg19) VCF-style: chr2-179542379-T-C.
Other names: c.33309A>G, p.Glu11103= (NM_001256850.1); c.30528A>G, p.Glu10176= (NM_133378.4); c.13283-35335A>G (NM_003319.4); c.13859-35335A>G (NM_133437.4); c.13658-35335A>G (NM_133432.3).
Identifiers: ClinVar variation 1159629 (VCV001159629.13), dbSNP rs374616513, ClinGen allele CA1998110.
Genomic context (GRCh38, chr2:178,677,652, plus strand): 5'-CTTGATGATTCCAAGAAGAGCTGCTATACCTGGTGCAGGTACTGGCACCTTAGGTTTAAC[T>C]TCTGGAAGGACTTCTTCTTCAGGTACAAATTCTTCTTCCTCAGGTACATATTCTTCTTCG-3'
Protein context (NP_001254479.2, residues 11410-11430): EFVPEEEVLP[Glu11420=]VKPKVPVPAP

ClinVar aggregate classification (germline): Likely benign. Review status: criteria provided, multiple submitters, no conflicts (2 of 4 stars). 3 submissions from 3 submitters: Likely benign (3). Last evaluated 2025-10-21.

Conditions:
Dilated cardiomyopathy 1G (CMD1G). Identifiers: Orphanet 154, MedGen C1858763, MONDO:0011400, OMIM 604145.
Autosomal recessive limb-girdle muscular dystrophy type 2J (LGMDR10). Also called: Limb-girdle muscular dystrophy, type 2J; MUSCULAR DYSTROPHY, LIMB-GIRDLE, AUTOSOMAL RECESSIVE 10. Identifiers: Orphanet 140922, MedGen C1837342, MONDO:0012127, OMIM 608807.
TTN-related disorder. Also called: TTN-related disorders; TTN-related condition; TTN-related disease.

Allele frequency attached by ClinVar (database versions not stated): gnomAD exomes below 0.00001; ExAC 0.00001; gnomAD 0.00005; TOPMed 0.00007; ESP Exome Variant Server 0.00008.
gnomAD v4.1: 12 of 1,611,700 alleles (0.00074%); highest among the groups gnomAD compares: African/African-American, 0.016%; no homozygotes.

Submissions (3):

Labcorp Genetics (formerly Invitae), Labcorp
Classification: Likely benign for Dilated cardiomyopathy 1G; Autosomal recessive limb-girdle muscular dystrophy type 2J. Last evaluated: 2025-10-21. Review status: criteria provided, single submitter. Criteria: Invitae Variant Classification Sherloc (09022015). Collection method: clinical testing. Allele origin: germline.

PreventionGenetics, part of Exact Sciences
Classification: Likely benign for TTN-related condition. Last evaluated: 2025-09-05. Review status: criteria provided, single submitter. Criteria: ACMG Guidelines, 2015. Collection method: clinical testing. Allele origin: germline.
Comment: This variant is classified as likely benign based on ACMG/AMP sequence variant interpretation guidelines (Richards et al. 2015 PMID: 25741868, with internal and published modifications).

GeneDx
Classification: Likely benign. Last evaluated: 2020-10-12. Review status: criteria provided, single submitter. Criteria: GeneDx Variant Classification Process June 2021. Collection method: clinical testing. Allele origin: germline. Affected: yes.